The following is an entry in ClinVar:

NM_001303256.3(MORC2):c.1788A>C (p.Glu596Asp)

Gene: MORC2 (MORC family CW-type zinc finger 2; minus strand). Cytogenetic location: 22q12.2.
Variant type: single nucleotide variant.
Coding change: c.1788A>C on transcript NM_001303256.3 (MANE Select); coding-DNA position 1788, A replaced by C.
Protein change: p.Glu596Asp; replaces glutamic acid 596 with aspartic acid.
Molecular consequence: missense variant.
Genome position (GRCh38, 1-based): chr22:30,935,272, T>G on the plus strand (A>C on the coding strand, the complement: MORC2 is on the minus strand). VCF-style: chr22-30935272-T-G. GRCh37 (hg19) VCF-style: chr22-31331259-T-G.
Other names: c.1788A>C, p.Glu596Asp (NM_001303257.2); c.1602A>C, p.Glu534Asp (NM_014941.3); short protein forms E596D, E534D.
Identifiers: ClinVar variation 3637771 (VCV003637771.2).

ClinVar aggregate classification (germline): Uncertain significance (1 of 4 stars; one submission).

Conditions:
Charcot-Marie-Tooth disease axonal type 2Z. Also called: CHARCOT-MARIE-TOOTH DISEASE, AXONAL, AUTOSOMAL DOMINANT, TYPE 2Z; CHARCOT-MARIE-TOOTH NEUROPATHY, TYPE 2Z. Identifiers: Orphanet 466768, MedGen C5569025, MONDO:0014736, OMIM 616688.

Submission:

Labcorp Genetics (formerly Invitae), Labcorp
Classification: Uncertain significance for Charcot-Marie-Tooth disease axonal type 2Z. Last evaluated: 2025-08-15. Review status: criteria provided, single submitter. Criteria: Invitae Variant Classification Sherloc (09022015). Collection method: clinical testing. Allele origin: germline.
Comment: This sequence change replaces glutamic acid, which is acidic and polar, with aspartic acid, which is acidic and polar, at codon 596 of the MORC2 protein (p.Glu596Asp). This variant is not present in population databases (gnomAD no frequency). This variant has not been reported in the literature in individuals affected with MORC2-related conditions. ClinVar contains an entry for this variant (Variation ID: 3637771). Invitae Evidence Modeling of protein sequence and biophysical properties (such as structural, functional, and spatial information, amino acid conservation, physicochemical variation, residue mobility, and thermodynamic stability) indicates that this missense variant is not expected to disrupt MORC2 protein function with a negative predictive value of 95%. In summary, the available evidence is currently insufficient to determine the role of this variant in disease. Therefore, it has been classified as a Variant of Uncertain Significance.